The following is an entry in ClinVar:

ClinVar aggregate classification (germline): Pathogenic. Review status: reviewed by expert panel (3 of 4 stars). 3 submissions from 3 submitters: Pathogenic (1). 2 of the submissions do not count toward it. Last evaluated 2025-09-05.

Conditions:
RPGR-related retinopathy. Also called: RPGR retinopathy. Identifiers: MedGen CN305589, MONDO:0100437.
Retinitis pigmentosa (RP). Identifiers: Orphanet 791, MedGen C0035334, MeSH D012174, MONDO:0019200, OMIM 268000. Inheritance: Autosomal dominant, autosomal recessive and X linked inheritance.

Submissions (3):

ClinGen X-linked Inherited Retinal Disease Variant Curation Expert Panel, ClinGen
Classification: Pathogenic for RPGR-related retinopathy. Last evaluated: 2025-09-05. Review status: reviewed by expert panel. Criteria: ClinGen X LinkedIRD ACMG Specifications RPGR V1.0.0. Collection method: curation. Allele origin: germline. Inheritance: X-linked inheritance.
Comment: NM_001034853.2(RPGR):c.2899dup (p.Glu967GlyfsTer?) is a frameshift variant due to a 1-nucleotide insertion introducing a premature stop codon within exon 15 of 15 that is predicted to disrupt a critical C-terminal region required for proper glutamylation of RPGR (PVS1, PMID: 36445968). This variant is absent from gnomAD v4.1.0 (PM2_Supporting). At least one proband harboring this variant exhibits a phenotype including presentation with night blindness (0.5 pts) and reduced visual acuity (0.5 pts) with onset at age 3 years (1 pt), diminished electroretinogram responses from rods, fundus appearance showing widespread retinal pigment epithelium degeneration with pigment deposits (0.5 pts), optic disc pallor (0.5 pts), cataract, severe macular degeneration, artery attenuation, and genotyping by next-generation sequencing with a 483-gene panel showing no alternative basis for inherited retinal disease (2 pts), which together are specific for RPGR-related retinopathy (5 points, PMID: 36276946, PP4). In summary, this variant is classified as pathogenic for RPGR-related retinopathy based on the ClinGen X-linked Inherited Retinal Disease Expert Panel Specifications to the ACMG/AMP Variant Interpretation Guidelines for RPGR Version 1.0.0; PVS1, PM2_supporting, and PP4.

Molecular Genetics Laboratory, Institute for Ophthalmic Research
Classification: Pathogenic for Retinitis pigmentosa. Last evaluated: 2020-01-09. Review status: criteria provided, single submitter. Criteria: ACMG Guidelines, 2015. Collection method: research. Allele origin: germline. Affected: yes. Not counted in ClinVar's aggregate classification.

CeGaT Center for Human Genetics Tuebingen
Classification: Likely pathogenic. Last evaluated: 2018-05-01. Review status: criteria provided, single submitter. Criteria: CeGaT Center For Human Genetics Tuebingen Variant Classification Criteria Version 2. Collection method: clinical testing. Allele origin: germline. Affected: yes. Observed: 1 variant allele. Not counted in ClinVar's aggregate classification.

NM_001034853.2(RPGR):c.2899dup (p.Glu967fs)

Gene: RPGR (retinitis pigmentosa GTPase regulator; minus strand). Cytogenetic location: Xp11.4.
Variant type: Duplication.
Coding change: c.2899dup on transcript NM_001034853.2 (MANE Select); coding-DNA position 2899, one base duplicated (G; older notation c.2899dupG).
Protein change: p.Glu967fs; shifts the reading frame from glutamic acid 967.
Molecular consequence: frameshift variant. On other transcripts: intron variant (8).
Genome position (GRCh38, 1-based): chrX:38,286,100, C duplicated on the plus strand (G on the coding strand, the reverse complement: RPGR is on the minus strand); the first of 5 consecutive C bases (chrX:38,286,100-38,286,104); duplicating any one gives the same sequence. VCF-style (leftmost placement, unchanged base first): chrX-38286099-T-TC. GRCh37 (hg19) VCF-style: chrX-38145352-T-TC.
Other names: NM_001034853.2(RPGR):c.2899dup; p.Glu967fs; c.1569+4855dup (NM_001367249.1, NM_001367250.1); c.1902+990dup (NM_001367245.1); c.1386+4855dup (NM_001367251.1); c.1719+990dup (NM_001367246.1); c.1572+4855dup (NM_001367247.1); c.1905+990dup (NM_000328.3); and 1 more; short protein forms E967fs.
Identifiers: ClinVar variation 624397 (VCV000624397.45), dbSNP rs1569235999, ClinGen allele CA913190423.